The following is an entry in ClinVar:

ClinVar aggregate classification (germline): Uncertain significance. Review status: criteria provided, multiple submitters, no conflicts (2 of 4 stars). 2 submissions from 2 submitters: Uncertain significance (2). Last evaluated 2026-04-23.

Conditions:
Inborn genetic diseases. Identifiers: MedGen C0950123, MeSH D030342.

Allele frequency attached by ClinVar (database versions not stated): gnomAD exomes below 0.00001.
gnomAD v4.1: 1 of 1,614,134 alleles (0.000062%); highest among the groups gnomAD compares: Non-Finnish European, 0.000085%; no homozygotes.

Submissions (2):

Dasa
Classification: Uncertain significance. Last evaluated: 2026-04-23. Review status: criteria provided, single submitter. Criteria: DASA Assertion Criteria. Collection method: clinical testing. Allele origin: germline.
Comment: NM_012448.4(STAT5B):c.469G>T (p.Asp157Tyr) is a missense variant that results in the substitution of aspartic acid with tyrosine. This variant is rare in population databases. The currently available literature and clinical evidence are not sufficient to establish a definitive association between this variant and the reported condition. Therefore, this variant is classified as a variant of uncertain significance.

Ambry Genetics
Classification: Uncertain significance for Inborn genetic diseases. Last evaluated: 2023-12-13. Review status: criteria provided, single submitter. Criteria: Ambry Variant Classification Scheme 2023. Collection method: clinical testing. Allele origin: germline.

NM_012448.4(STAT5B):c.469G>T (p.Asp157Tyr)

Gene: STAT5B (signal transducer and activator of transcription 5B; minus strand). Cytogenetic location: 17q21.2.
Variant type: single nucleotide variant.
Coding change: c.469G>T on transcript NM_012448.4 (MANE Select); coding-DNA position 469, G replaced by T.
Protein change: p.Asp157Tyr; replaces aspartic acid 157 with tyrosine.
Molecular consequence: missense variant.
Genome position (GRCh38, 1-based): chr17:42,223,463, C>A on the plus strand (G>T on the coding strand, the complement: STAT5B is on the minus strand). VCF-style: chr17-42223463-C-A. GRCh37 (hg19) VCF-style: chr17-40375481-C-A.
Other names: short protein forms D157Y.
Identifiers: ClinVar variation 3171132 (VCV003171132.3), dbSNP rs1334236273, ClinGen allele CA399589232.